The following is an entry in ClinVar:

ClinVar aggregate classification (germline): Uncertain significance (1 of 4 stars; one submission).

Conditions:
Malignant hyperthermia, susceptibility to, 1 (MHS1). Also called: RYR1-Related Malignant Hyperthermia Susceptibility; Malignant hyperthermia suceptibility 1; Anesthesia related hyperthermia; Malignant hyperpyrexia; Fulminating hyperpyrexia; Pharmacogenic myopathy. Identifiers: Orphanet 423, MedGen C2930980, MONDO:0007783, OMIM 145600.

Submission:

Color Diagnostics, LLC DBA Color Health
Classification: Uncertain significance for Malignant hyperthermia, susceptibility to, 1. Last evaluated: 2025-07-07. Review status: criteria provided, single submitter. Criteria: ACMG Guidelines, 2015. Collection method: clinical testing. Allele origin: germline.
Comment: This missense variant replaces histidine with tyrosine at codon 1757 of the RYR1 protein. Computational prediction suggests that this variant may not impact protein structure and function. To our knowledge, functional studies have not been reported for this variant. This variant has not been reported in individuals affected with RYR1-related disorders in the literature. This variant has not been identified in the general population by the Genome Aggregation Database (gnomAD). The available evidence is insufficient to determine the role of this variant in disease conclusively. Therefore, this variant is classified as a Variant of Uncertain Significance.

NM_000540.3(RYR1):c.5269C>T (p.His1757Tyr)

Gene: RYR1 (ryanodine receptor 1; plus strand). Cytogenetic location: 19q13.2.
Variant type: single nucleotide variant.
Coding change: c.5269C>T on transcript NM_000540.3 (MANE Select); coding-DNA position 5269, C replaced by T.
Protein change: p.His1757Tyr; replaces histidine 1757 with tyrosine.
Molecular consequence: missense variant.
Genome position (GRCh38, 1-based): chr19:38,485,924, C>T. VCF-style: chr19-38485924-C-T. GRCh37 (hg19) VCF-style: chr19-38976564-C-T.
Other names: c.5269C>T, p.His1757Tyr (NM_001042723.2); short protein forms H1757Y.
Identifiers: ClinVar variation 4757634 (VCV004757634.1).
Genomic context (GRCh38, chr19:38,485,924, plus strand): 5'-CTCACGCCTGAGACCCGCGCCATCACGCTCTTCCCTCCTGGAAGGAGCACAGAAAATGGT[C>T]ACCCCCGGCATGGCCTGCCGGGAGTTGGAGTCACCACTTCGCTGAGGCCCCCGCATCATT-3'
Protein context (NP_000531.2, residues 1747-1767): FPPGRSTENG[His1757Tyr]PRHGLPGVGV